The following is an entry in ClinVar:

ClinVar aggregate classification (germline): Uncertain significance (1 of 4 stars; one submission).

Allele frequency attached by ClinVar (database versions not stated): gnomAD exomes 0.00001 and 0.00002; TOPMed 0.00001; ExAC 0.00014.
gnomAD v4.1: 10 of 1,541,840 alleles (0.00065%); highest among the groups gnomAD compares: South Asian, 0.011%; no homozygotes.

Submission:

Labcorp Genetics (formerly Invitae), Labcorp
Classification: Uncertain significance. Last evaluated: 2024-12-02. Review status: criteria provided, single submitter. Criteria: Invitae Variant Classification Sherloc (09022015). Collection method: clinical testing. Allele origin: germline.
Comment: This sequence change replaces serine, which is neutral and polar, with tryptophan, which is neutral and slightly polar, at codon 330 of the PDZD7 protein (p.Ser330Trp). This variant is present in population databases (rs776107619, gnomAD 0.01%). This variant has not been reported in the literature in individuals affected with PDZD7-related conditions. ClinVar contains an entry for this variant (Variation ID: 1495720). Invitae Evidence Modeling of protein sequence and biophysical properties (such as structural, functional, and spatial information, amino acid conservation, physicochemical variation, residue mobility, and thermodynamic stability) has been performed for this missense variant. However, the output from this modeling did not meet the statistical confidence thresholds required to predict the impact of this variant on PDZD7 protein function. In summary, the available evidence is currently insufficient to determine the role of this variant in disease. Therefore, it has been classified as a Variant of Uncertain Significance.

NM_001195263.2(PDZD7):c.989C>G (p.Ser330Trp)

Gene: PDZD7 (PDZ domain containing 7; minus strand). Cytogenetic location: 10q24.31.
Variant type: single nucleotide variant.
Coding change: c.989C>G on transcript NM_001195263.2 (MANE Select); coding-DNA position 989, C replaced by G.
Protein change: p.Ser330Trp; replaces serine 330 with tryptophan.
Molecular consequence: missense variant.
Genome position (GRCh38, 1-based): chr10:101,019,157, G>C on the plus strand (C>G on the coding strand, the complement: PDZD7 is on the minus strand). VCF-style: chr10-101019157-G-C. GRCh37 (hg19) VCF-style: chr10-102778914-G-C.
Other names: c.989C>G, p.Ser330Trp (NM_001351044.2, NM_024895.5); short protein forms S330W.
Identifiers: ClinVar variation 1495720 (VCV001495720.8), dbSNP rs776107619, ClinGen allele CA5654188.